The following is an entry in ClinVar:

NM_207122.2(EXT2):c.1892T>C (p.Met631Thr)

Gene: EXT2 (exostosin glycosyltransferase 2; plus strand). Cytogenetic location: 11p11.2.
Variant type: single nucleotide variant.
Coding change: c.1892T>C on transcript NM_207122.2 (MANE Select); coding-DNA position 1892, T replaced by C.
Protein change: p.Met631Thr; replaces methionine 631 with threonine.
Molecular consequence: missense variant.
Genome position (GRCh38, 1-based): chr11:44,234,200, T>C. VCF-style: chr11-44234200-T-C. GRCh37 (hg19) VCF-style: chr11-44255750-T-C.
Other names: c.1991T>C, p.Met664Thr (NM_000401.3); c.1922T>C, p.Met641Thr (NM_001178083.3); c.1892T>C, p.Met631Thr (NM_001389628.1, NM_001389630.1); short protein forms M631T, M664T, M641T.
Identifiers: ClinVar variation 2104294 (VCV002104294.5), dbSNP rs376274322, ClinGen allele CA5955380.

ClinVar aggregate classification (germline): Uncertain significance. Review status: criteria provided, multiple submitters, no conflicts (2 of 4 stars). 2 submissions from 2 submitters: Uncertain significance (2). Last evaluated 2025-10-29.

Conditions:
Exostoses, multiple, type 2 (EXT2). Also called: EXOSTOSES, MULTIPLE, TYPE II; Hereditary Multiple Osteochondromatosis, Type II. Identifiers: Orphanet 321, MedGen C1851413, MONDO:0007586, OMIM 133701.

Allele frequency attached by ClinVar (database versions not stated): gnomAD 0.00001; TOPMed 0.00001; ExAC 0.00003; gnomAD exomes 0.00004; ESP Exome Variant Server 0.00008.
gnomAD v4.1: 55 of 1,614,066 alleles (0.0034%); highest among the groups gnomAD compares: Non-Finnish European, 0.0046%; no homozygotes.

Submissions (2):

Labcorp Genetics (formerly Invitae), Labcorp
Classification: Uncertain significance for Exostoses, multiple, type 2. Last evaluated: 2025-10-29. Review status: criteria provided, single submitter. Criteria: Invitae Variant Classification Sherloc (09022015). Collection method: clinical testing. Allele origin: germline.
Comment: This sequence change replaces methionine, which is neutral and non-polar, with threonine, which is neutral and polar, at codon 631 of the EXT2 protein (p.Met631Thr). This variant is present in population databases (rs376274322, gnomAD 0.005%). This variant has not been reported in the literature in individuals affected with EXT2-related conditions. ClinVar contains an entry for this variant (Variation ID: 2104294). Invitae Evidence Modeling of protein sequence and biophysical properties (such as structural, functional, and spatial information, amino acid conservation, physicochemical variation, residue mobility, and thermodynamic stability) has been performed for this missense variant. However, the output from this modeling did not meet the statistical confidence thresholds required to predict the impact of this variant on EXT2 protein function. In summary, the available evidence is currently insufficient to determine the role of this variant in disease. Therefore, it has been classified as a Variant of Uncertain Significance.

Blueprint Genetics
Classification: Uncertain significance. Last evaluated: 2024-02-05. Review status: criteria provided, single submitter. Criteria: ACMG Guidelines, 2015. Collection method: clinical testing. Allele origin: germline.